The following is an entry in ClinVar:

ClinVar aggregate classification (germline): Benign/Likely benign. Review status: criteria provided, multiple submitters, no conflicts (2 of 4 stars). 3 submissions from 3 submitters: Benign (1); Likely benign (2). Last evaluated 2026-01-25.

Conditions:
Palmoplantar keratoderma, epidermolytic. Also called: Localized epidermolytic hyperkeratosis. Identifiers: MedGen C1721006, MONDO:0968949, HP:0007559.

Allele frequency attached by ClinVar (database versions not stated): gnomAD exomes 0.00067 and 0.00141; ExAC 0.00166; 1000 Genomes Project 30x 0.00390; 1000 Genomes Project 0.00419; gnomAD 0.00433 and 0.00468; ESP Exome Variant Server 0.00531; TOPMed 0.00558.
gnomAD v4.1: 1,690 of 1,614,202 alleles (0.1%); highest among the groups gnomAD compares: African/African-American, 1.5%; 12 homozygotes.

Submissions (3):

Labcorp Genetics (formerly Invitae), Labcorp
Classification: Benign. Last evaluated: 2026-01-25. Review status: criteria provided, single submitter. Criteria: Invitae Variant Classification Sherloc (09022015). Collection method: clinical testing. Allele origin: germline.

Illumina Laboratory Services, Illumina
Classification: Likely benign for Epidermolytic palmoplantar keratoderma, 1. Last evaluated: 2018-01-12. Review status: criteria provided, single submitter. Criteria: ICSL Variant Classification Criteria 13 December 2019. Collection method: clinical testing. Allele origin: germline.
Comment: This variant was observed in the ICSL laboratory as part of a predisposition screen in an ostensibly healthy population. It had not been previously curated by ICSL or reported in the Human Gene Mutation Database (HGMD: prior to June 1st, 2018), and was therefore a candidate for classification through an automated scoring system. Utilizing variant allele frequency, disease prevalence and penetrance estimates, and inheritance mode, an automated score was calculated to assess if this variant is too frequent to cause the disease. Based on the score and internal cut-off values, a variant classified as likely benign is not then subjected to further curation. The score for this variant resulted in a classification of likely benign for this disease.

Breakthrough Genomics
Classification: Likely benign. Review status: criteria provided, single submitter. Criteria: ACMG Guidelines, 2015. Collection method: not provided. Allele origin: germline. Inheritance: Autosomal dominant inheritance. Affected: yes.

NM_000226.4(KRT9):c.855G>T (p.Leu285=)

Gene: KRT9 (keratin 9; minus strand). Cytogenetic location: 17q21.2.
Variant type: single nucleotide variant.
Coding change: c.855G>T on transcript NM_000226.4 (MANE Select); coding-DNA position 855, G replaced by T.
Protein change: p.Leu285=; no amino-acid change (leucine 285 retained).
Molecular consequence: synonymous variant.
Genome position (GRCh38, 1-based): chr17:41,569,886, C>A on the plus strand (G>T on the coding strand, the complement: KRT9 is on the minus strand). VCF-style: chr17-41569886-C-A. GRCh37 (hg19) VCF-style: chr17-39726138-C-A.
Identifiers: ClinVar variation 889334 (VCV000889334.13), dbSNP rs115349045, ClinGen allele CA8562122.